The following is an entry in ClinVar:

ClinVar aggregate classification (germline): Uncertain significance (1 of 4 stars; one submission).

Allele frequency attached by ClinVar (database versions not stated): ExAC 0.00004; gnomAD exomes 0.00005 and 0.00009; ESP Exome Variant Server 0.00015.
gnomAD v4.1: 135 of 1,603,670 alleles (0.0084%); highest among the groups gnomAD compares: Non-Finnish European, 0.011%; no homozygotes.

Submission:

Labcorp Genetics (formerly Invitae), Labcorp
Classification: Uncertain significance. Last evaluated: 2025-01-20. Review status: criteria provided, single submitter. Criteria: Invitae Variant Classification Sherloc (09022015). Collection method: clinical testing. Allele origin: germline.
Comment: This sequence change creates a premature translational stop signal (Splice donor) in the MCM4 gene. It is expected to result in an absent or disrupted protein product. However, the current clinical and genetic evidence is not sufficient to establish whether loss-of-function variants in MCM4 cause disease. This variant is present in population databases (rs143542836, gnomAD 0.01%). This variant has not been reported in the literature in individuals affected with MCM4-related conditions. ClinVar contains an entry for this variant (Variation ID: 1408792). Algorithms developed to predict the effect of sequence changes on RNA splicing suggest that this variant may disrupt the consensus splice site. In summary, the available evidence is currently insufficient to determine the role of this variant in disease. Therefore, it has been classified as a Variant of Uncertain Significance.

NM_182746.3(MCM4):c.2365+1G>A

Gene: MCM4 (minichromosome maintenance complex component 4; plus strand). Cytogenetic location: 8q11.21.
Variant type: single nucleotide variant.
Coding change: c.2365+1G>A on transcript NM_182746.3 (MANE Select); the canonical splice donor site of the intron after coding-DNA position 2365, G replaced by A.
Molecular consequence: splice donor variant.
Genome position (GRCh38, 1-based): chr8:47,974,963, G>A. VCF-style: chr8-47974963-G-A. GRCh37 (hg19) VCF-style: chr8-48887523-G-A.
Other names: c.2365+1G>A (NM_005914.4).
Identifiers: ClinVar variation 1408792 (VCV001408792.4), dbSNP rs143542836, ClinGen allele CA4742886.